The following is an entry in ClinVar:

NM_020975.6(RET):c.3115C>T (p.Pro1039Ser)

Gene: RET (ret proto-oncogene; plus strand). Cytogenetic location: 10q11.21.
Variant type: single nucleotide variant.
Coding change: c.3115C>T on transcript NM_020975.6 (MANE Select); coding-DNA position 3115, C replaced by T.
Protein change: p.Pro1039Ser; replaces proline 1039 with serine.
Molecular consequence: missense variant.
Genome position (GRCh38, 1-based): chr10:43,126,650, C>T. VCF-style: chr10-43126650-C-T. GRCh37 (hg19) VCF-style: chr10-43622098-C-T.
Other names: c.2218C>T, p.Pro740Ser (NM_001406779.1, NM_001406780.1, NM_001406781.1 and 1 more transcripts); c.1930C>T, p.Pro644Ser (NM_001406789.1, NM_001406790.1, NM_001406788.1); c.1810C>T, p.Pro604Ser (NM_001406791.1); c.1666C>T, p.Pro556Ser (NM_001406792.1, NM_001406793.1, NM_001406794.1); c.3115C>T, p.Pro1039Ser (NM_020630.7, NM_001406743.1, NM_001406744.1 and 2 more transcripts); c.2089C>T, p.Pro697Ser (NM_001406783.1, NM_001406786.1); c.2125C>T, p.Pro709Ser (NM_001406784.1); c.2098C>T, p.Pro700Ser (NM_001406785.1); and 10 more; short protein forms P556S, P695S, P943S, P994S, P1039S, P604S, P644S, P740S.
Identifiers: ClinVar variation 3721869 (VCV003721869.2).

ClinVar aggregate classification (germline): Uncertain significance (1 of 4 stars; one submission).

Conditions:
Multiple endocrine neoplasia, type 2 (MEN2). Identifiers: Orphanet 653, MedGen C4048306, MONDO:0019003. Disease mechanism: gain of function.

gnomAD v4.1: 1 of 1,614,142 alleles (0.000062%); highest among the groups gnomAD compares: Non-Finnish European, 0.000085%; no homozygotes.

Submission:

Labcorp Genetics (formerly Invitae), Labcorp
Classification: Uncertain significance for Multiple endocrine neoplasia, type 2. Last evaluated: 2024-09-30. Review status: criteria provided, single submitter. Criteria: Invitae Variant Classification Sherloc (09022015). Collection method: clinical testing. Allele origin: germline.
Comment: This sequence change replaces proline, which is neutral and non-polar, with serine, which is neutral and polar, at codon 1039 of the RET protein (p.Pro1039Ser). This variant is not present in population databases (gnomAD no frequency). This variant has not been reported in the literature in individuals affected with RET-related conditions. An algorithm developed to predict the effect of missense changes on protein structure and function (PolyPhen-2) suggests that this variant is likely to be tolerated. In summary, the available evidence is currently insufficient to determine the role of this variant in disease. Therefore, it has been classified as a Variant of Uncertain Significance.